The following is an entry in ClinVar:

ClinVar aggregate classification (germline): Likely pathogenic. Review status: criteria provided, multiple submitters, no conflicts (2 of 4 stars). 2 submissions from 2 submitters: Likely pathogenic (2). Last evaluated 2025-01-14.

Conditions:
Autism, susceptibility to, 17. Also called: Autism susceptibility 17. Identifiers: MedGen C3150693, MONDO:0013265, OMIM 613436.

gnomAD v4.1: 4 of 1,551,554 alleles (0.00026%); highest among the groups gnomAD compares: Non-Finnish European, 0.00026%; no homozygotes.

Submissions (2):

Clinical Genomics Laboratory, Washington University in St. Louis
Classification: Likely pathogenic for Autism, susceptibility to, 17. Last evaluated: 2025-01-14. Review status: criteria provided, single submitter. Criteria: ACMG Guidelines, 2015. Collection method: clinical testing. Allele origin: germline. Affected: yes.
Comment: The SHANK2 c.754G>T (p.Glu252*) variant, to our knowledge, has not been reported in the medical literature and is absent from the general population (gnomAD v.2.1.1), indicating it is not a common variant. This variant causes a premature termination codon, which is predicted to lead to nonsense mediated decay. At least one other nonsense-inducing variant in this region has been described as pathogenic/likely pathogenic in ClinVar (Variation ID: 1699379). Based on available information and the ACMG/AMP guidelines for variant interpretation (Richards S et al., PMID: 25741868), this variant is classified as likely pathogenic.

Department of Human Genetics, Hannover Medical School
Classification: Likely pathogenic for Autism, susceptibility to, 17. Last evaluated: 2024-08-22. Review status: criteria provided, single submitter. Criteria: ACMG Guidelines, 2015. Collection method: clinical testing. Allele origin: germline. Affected: yes.

NM_012309.5(SHANK2):c.754G>T (p.Glu252Ter)

Gene: SHANK2 (SH3 and multiple ankyrin repeat domains 2; minus strand). Cytogenetic location: 11q13.4.
Variant type: single nucleotide variant.
Coding change: c.754G>T on transcript NM_012309.5 (MANE Select); coding-DNA position 754, G replaced by T.
Protein change: p.Glu252Ter; replaces glutamic acid 252 with a stop codon.
Molecular consequence: nonsense.
Genome position (GRCh38, 1-based): chr11:71,092,580, C>A on the plus strand (G>T on the coding strand, the complement: SHANK2 is on the minus strand). VCF-style: chr11-71092580-C-A. GRCh37 (hg19) VCF-style: chr11-70803626-C-A.
Other names: c.754G>T, p.Glu252Ter (NM_001441024.1, NM_001441025.1, NM_001441026.1 and 12 more transcripts); c.682G>T, p.Glu228Ter (NM_001441038.1); short protein forms E228*, E252*.
Identifiers: ClinVar variation 4279966 (VCV004279966.2).